The following is an entry in ClinVar:

NM_007255.3(B4GALT7):c.485A>G (p.His162Arg)

Gene: B4GALT7 (beta-1,4-galactosyltransferase 7; plus strand). Cytogenetic location: 5q35.3.
Variant type: single nucleotide variant.
Coding change: c.485A>G on transcript NM_007255.3 (MANE Select); coding-DNA position 485, A replaced by G.
Protein change: p.His162Arg; replaces histidine 162 with arginine.
Molecular consequence: missense variant.
Genome position (GRCh38, 1-based): chr5:177,607,373, A>G. VCF-style: chr5-177607373-A-G. GRCh37 (hg19) VCF-style: chr5-177034374-A-G.
Other names: short protein forms H162R.
Identifiers: ClinVar variation 1948729 (VCV001948729.2), dbSNP rs1338444955, ClinGen allele CA362375217.

ClinVar aggregate classification (germline): Uncertain significance (1 of 4 stars; one submission).

Conditions:
Spondylodysplastic Ehlers-Danlos syndrome. Identifiers: Orphanet 536471, Orphanet 75496, MedGen C5680154, MONDO:0007526.

Allele frequency attached by ClinVar (database versions not stated): gnomAD exomes below 0.00001; gnomAD 0.00001.
gnomAD v4.1: 5 of 1,613,966 alleles (0.00031%); highest among the groups gnomAD compares: African/African-American, 0.0067%; no homozygotes.

Submission:

Labcorp Genetics (formerly Invitae), Labcorp
Classification: Uncertain significance for Spondylodysplastic Ehlers-Danlos syndrome. Last evaluated: 2022-08-19. Review status: criteria provided, single submitter. Criteria: Invitae Variant Classification Sherloc (09022015). Collection method: clinical testing. Allele origin: germline.
Comment: This sequence change replaces histidine, which is basic and polar, with arginine, which is basic and polar, at codon 162 of the B4GALT7 protein (p.His162Arg). This variant is present in population databases (no rsID available, gnomAD 0.01%). This variant has not been reported in the literature in individuals affected with B4GALT7-related conditions. Algorithms developed to predict the effect of missense changes on protein structure and function are either unavailable or do not agree on the potential impact of this missense change (SIFT: "Deleterious"; PolyPhen-2: "Probably Damaging"; Align-GVGD: "Class C0"). In summary, the available evidence is currently insufficient to determine the role of this variant in disease. Therefore, it has been classified as a Variant of Uncertain Significance.